The following is an entry in ClinVar:

ClinVar aggregate classification (germline): Uncertain significance. Review status: criteria provided, multiple submitters, no conflicts (2 of 4 stars). 2 submissions from 2 submitters: Uncertain significance (2). Last evaluated 2026-04-16.

Conditions:
HK1-related disorder. Also called: HK1-related disorders; HK1-related condition.

Submissions (2):

PreventionGenetics, part of Exact Sciences
Classification: Uncertain significance for HK1-related condition. Last evaluated: 2026-04-16. Review status: criteria provided, single submitter. Criteria: ACMG Guidelines, 2015. Collection method: clinical testing. Allele origin: germline.
Comment: The HK1 c.2029_2031delATT variant is predicted to result in an in-frame deletion (p.Ile677del). To our knowledge, this variant has not been reported in the literature. This variant was observed in trans with a likely pathogenic variant in this gene (PreventionGenetics, internal data). This variant is reported in 0.0083% of alleles in individuals of African descent in gnomAD. Although we suspect that this variant may be pathogenic, at this time, the clinical significance of this variant is uncertain due to the absence of conclusive functional and genetic evidence.

Blueprint Genetics
Classification: Uncertain significance. Last evaluated: 2022-03-28. Review status: criteria provided, single submitter. Criteria: ACMG Guidelines, 2015. Collection method: clinical testing. Allele origin: germline.

NM_000188.3(HK1):c.2029_2031del (p.Ile677del)

Gene: HK1 (hexokinase 1; plus strand). Cytogenetic location: 10q22.1.
Variant type: Deletion.
Coding change: c.2029_2031del on transcript NM_000188.3 (MANE Select); coding-DNA positions 2029 to 2031, 3 bases deleted (ATT; older notation c.2029_2031delATT).
Protein change: p.Ile677del; deletes isoleucine 677.
Molecular consequence: inframe deletion.
Genome position (GRCh38, 1-based): chr10:69,389,290-69,389,292, ATT deleted. VCF-style (leftmost placement, unchanged base first): chr10-69389289-CATT-C. GRCh37 (hg19) VCF-style: chr10-71149045-CATT-C.
Other names: c.2041_2043del, p.Ile681del (NM_001322364.2, NM_001358263.1, NM_033497.3 and 1 more transcripts); c.2134_2136del, p.Ile712del (NM_001322365.2); c.1945_1947del, p.Ile649del (NM_001322366.1); c.1933_1935del, p.Ile645del (NM_001322367.1); c.2026_2028del, p.Ile676del (NM_033496.3); c.1993_1995del, p.Ile665del (NM_033500.2); short protein forms I645del, I649del, I665del, I676del, I677del, I681del, I712del.
Identifiers: ClinVar variation 3350915 (VCV003350915.3).